The following is an entry in ClinVar:

NM_152564.5(VPS13B):c.6829del (p.Leu2277fs)

Gene: VPS13B (vacuolar protein sorting 13 homolog B; plus strand). Cytogenetic location: 8q22.2.
Variant type: Deletion.
Coding change: c.6829del on transcript NM_152564.5 (MANE Select); coding-DNA position 6829, one base deleted (C; older notation c.6829delC).
Protein change: p.Leu2277fs; shifts the reading frame from leucine 2277.
Molecular consequence: frameshift variant.
Genome position (GRCh38, 1-based): chr8:99,720,516, C deleted; the last of 2 consecutive C bases (chr8:99,720,515-99,720,516); deleting either gives the same sequence. VCF-style (leftmost placement, unchanged base first): chr8-99720514-AC-A. GRCh37 (hg19) VCF-style: chr8-100732742-AC-A.
Other names: c.6904delC (NM_017890.4); c.6904del, p.Leu2302fs (NM_017890.5); short protein forms L2302fs, L2277fs.
Identifiers: ClinVar variation 370191 (VCV000370191.5), dbSNP rs1057516302, ClinGen allele CA16041248.
Genomic context (GRCh38, chr8:99,720,514, plus strand): 5'-CTCAAATGTCATCTCCTGTGGAAAAGAATCAGACATTTAAAAGTGAACAAAGTTCAGATG[AC>A]CTACGGACAGGTCTATTTCAGTATGTACAGGATGCTGGTAAGTAGCAACAGACTCAGTAT-3'

ClinVar aggregate classification (germline): Likely pathogenic. Review status: criteria provided, single submitter (1 of 4 stars). 2 submissions from 2 submitters: Likely pathogenic (1). 1 of the submissions does not count toward it.

Conditions:
Cohen syndrome (COH1). Also called: Cutis verticis gyrata, retinitis pigmentosa, and sensorineural deafness; PEPPER SYNDROME. Identifiers: Orphanet 193, MedGen C0265223, MONDO:0008999, OMIM 216550.

Submissions (2):

Juno Genomics, Hangzhou Juno Genomics, Inc
Classification: Likely pathogenic for Cohen syndrome. Review status: criteria provided, single submitter. Criteria: ACMG Guidelines, 2015. Collection method: clinical testing. Allele origin: germline.
Comment: Null variant in a gene where loss of function (LOF) is a known mechanism of disease.;Absent from controls (or at extremely low frequency if recessive) in Genome Aggregation Database.

Counsyl
Classification: Likely pathogenic for Cohen syndrome. Last evaluated: 2015-12-11. Review status: no assertion criteria provided. Collection method: clinical testing. Allele origin: unknown. Not counted in ClinVar's aggregate classification.